The following is an entry in ClinVar:

ClinVar aggregate classification (germline): Uncertain significance. Review status: criteria provided, multiple submitters, no conflicts (2 of 4 stars). 2 submissions from 2 submitters: Uncertain significance (2). Last evaluated 2023-02-01.

Conditions:
Inborn genetic diseases. Identifiers: MedGen C0950123, MeSH D030342.

Allele frequency attached by ClinVar (database versions not stated): gnomAD exomes below 0.00001.
gnomAD v4.1: 1 of 1,613,992 alleles (0.000062%); highest among the groups gnomAD compares: Non-Finnish European, 0.000085%; no homozygotes.

Submissions (2):

CeGaT Center for Human Genetics Tuebingen
Classification: Uncertain significance. Last evaluated: 2023-02-01. Review status: criteria provided, single submitter. Criteria: CeGaT Center For Human Genetics Tuebingen Variant Classification Criteria Version 2. Collection method: clinical testing. Allele origin: germline. Affected: yes. Observed: 1 variant allele.
Comment: CDK10: PM2, PM3:Supporting

Ambry Genetics
Classification: Uncertain significance for Inborn genetic diseases. Last evaluated: 2023-01-26. Review status: criteria provided, single submitter. Criteria: Ambry Variant Classification Scheme 2023. Collection method: clinical testing. Allele origin: germline.

NM_052988.5(CDK10):c.313G>A (p.Val105Ile)

Gene: CDK10 (cyclin dependent kinase 10; plus strand). Cytogenetic location: 16q24.3.
Variant type: single nucleotide variant.
Coding change: c.313G>A on transcript NM_052988.5 (MANE Select); coding-DNA position 313, G replaced by A.
Protein change: p.Val105Ile; replaces valine 105 with isoleucine.
Molecular consequence: missense variant. On other transcripts: non-coding transcript variant (2).
Genome position (GRCh38, 1-based): chr16:89,691,523, G>A. VCF-style: chr16-89691523-G-A. GRCh37 (hg19) VCF-style: chr16-89757931-G-A.
Other names: c.100G>A, p.Val34Ile (NM_001098533.3, NM_001160367.2, NM_052987.4); short protein forms V105I, V34I.
Identifiers: ClinVar variation 2479575 (VCV002479575.30), dbSNP rs2543644323, ClinGen allele CA397420748.